The following is an entry in ClinVar:

ClinVar aggregate classification (germline): Uncertain significance (1 of 4 stars; one submission).

Conditions:
Familial cancer of breast. Also called: BREAST CANCER, FAMILIAL; Hereditary breast cancer; hereditary breast carcinoma. Identifiers: Orphanet 227535, MedGen C0346153, MONDO:0016419, OMIM 114480. Disease mechanism: loss of function.

Submission:

Labcorp Genetics (formerly Invitae), Labcorp
Classification: Uncertain significance for Familial cancer of breast. Last evaluated: 2025-07-31. Review status: criteria provided, single submitter. Criteria: Invitae Variant Classification Sherloc (09022015). Collection method: clinical testing. Allele origin: germline.
Comment: This sequence change replaces glutamine, which is neutral and polar, with leucine, which is neutral and non-polar, at codon 39 of the PALB2 protein (p.Gln39Leu). This variant is not present in population databases (gnomAD no frequency). This missense change has been observed in individual(s) with breast cancer (PMID: 33811135). ClinVar contains an entry for this variant (Variation ID: 530084). An algorithm developed to predict the effect of missense changes on protein structure and function (PolyPhen-2) suggests that this variant is likely to be disruptive. In summary, the available evidence is currently insufficient to determine the role of this variant in disease. Therefore, it has been classified as a Variant of Uncertain Significance.

Literature cited by the submitters: PubMed 33811135.

NM_024675.4(PALB2):c.116A>T (p.Gln39Leu)

Gene: PALB2 (partner and localizer of BRCA2; minus strand). Cytogenetic location: 16p12.2.
Variant type: single nucleotide variant.
Coding change: c.116A>T on transcript NM_024675.4 (MANE Select); coding-DNA position 116, A replaced by T.
Protein change: p.Gln39Leu; replaces glutamine 39 with leucine.
Molecular consequence: missense variant.
Genome position (GRCh38, 1-based): chr16:23,637,945, T>A on the plus strand (A>T on the coding strand, the complement: PALB2 is on the minus strand). VCF-style: chr16-23637945-T-A. GRCh37 (hg19) VCF-style: chr16-23649266-T-A.
Other names: short protein forms Q39L.
Identifiers: ClinVar variation 530084 (VCV000530084.11), dbSNP rs1555462083, ClinGen allele CA395139455.
Genomic context (GRCh38, chr16:23,637,945, plus strand): 5'-GACAAACAATCTTGTTCTTCTACTGTTTTCTTAATAGAATGCTTAATCTTTTCAGCTCTT[T>A]GGGCACGCTAGAGGAGACAAAAACAGCCCCAGAAATACGTTTTCTTTAAAGTTTTATAGA-3'
Protein context (NP_078951.2, residues 29-49): SKTLARLQRA[Gln39Leu]RAEKIKHSIK